The following is an entry in ClinVar:

ClinVar aggregate classification (germline): Uncertain significance (1 of 4 stars; one submission).

Allele frequency attached by ClinVar (database versions not stated): gnomAD exomes below 0.00001 and 0.00001; ExAC 0.00001.
gnomAD v4.1: 7 of 1,614,196 alleles (0.00043%); highest among the groups gnomAD compares: Middle Eastern, 0.017%; no homozygotes.

Submission:

Labcorp Genetics (formerly Invitae), Labcorp
Classification: Uncertain significance. Last evaluated: 2022-03-03. Review status: criteria provided, single submitter. Criteria: Invitae Variant Classification Sherloc (09022015). Collection method: clinical testing. Allele origin: germline.
Comment: This sequence change replaces isoleucine, which is neutral and non-polar, with valine, which is neutral and non-polar, at codon 712 of the EIF2AK3 protein (p.Ile712Val). This variant is present in population databases (rs766212381, gnomAD 0.003%). This variant has not been reported in the literature in individuals affected with EIF2AK3-related conditions. ClinVar contains an entry for this variant (Variation ID: 1041894). Algorithms developed to predict the effect of missense changes on protein structure and function (SIFT, PolyPhen-2, Align-GVGD) all suggest that this variant is likely to be tolerated. In summary, the available evidence is currently insufficient to determine the role of this variant in disease. Therefore, it has been classified as a Variant of Uncertain Significance.

NM_004836.7(EIF2AK3):c.2134A>G (p.Ile712Val)

Genes: EIF2AK3 (eukaryotic translation initiation factor 2 alpha kinase 3; minus strand), EIF2AK3-AS1 (EIF2AK3 antisense RNA 1; plus strand). Cytogenetic location: 2p11.2.
Variant type: single nucleotide variant.
Coding change: c.2134A>G on transcript NM_004836.7 (MANE Select); coding-DNA position 2134, A replaced by G.
Protein change: p.Ile712Val; replaces isoleucine 712 with valine.
Molecular consequence: missense variant. On other transcripts: non-coding transcript variant (1).
Genome position (GRCh38, 1-based): chr2:88,575,349, T>C on the plus strand (A>G on the coding strand, the complement: EIF2AK3 is on the minus strand). VCF-style: chr2-88575349-T-C. GRCh37 (hg19) VCF-style: chr2-88874867-T-C.
Other names: c.1681A>G, p.Ile561Val (NM_001313915.2); short protein forms I561V, I712V.
Identifiers: ClinVar variation 1041894 (VCV001041894.6), dbSNP rs766212381, ClinGen allele CA1754500.